The following is an entry in ClinVar:

ClinVar aggregate classification (germline): Likely pathogenic (1 of 4 stars; one submission).

Conditions:
CP-related disorder. Also called: CP-related condition.

Submission:

PreventionGenetics, part of Exact Sciences
Classification: Likely pathogenic for CP-related condition. Last evaluated: 2023-06-29. Review status: criteria provided, single submitter. Criteria: ACMG Guidelines, 2015. Collection method: clinical testing. Allele origin: germline.
Comment: The CP c.1139_1148del10 variant is predicted to result in a frameshift and premature protein termination (p.Glu380Glyfs*8). To our knowledge, this variant has not been reported in the literature or in a large population database, indicating this variant is rare. Frameshift variants in CP are expected to be pathogenic. This variant is interpreted as likely pathogenic.

NM_000096.4(CP):c.1139_1148del (p.Glu380fs)

Gene: CP (ceruloplasmin; minus strand). Cytogenetic location: 3q25.1.
Variant type: Deletion.
Coding change: c.1139_1148del on transcript NM_000096.4 (MANE Select); coding-DNA positions 1139 to 1148, 10 bases deleted (AAATCATCTG; older notation c.1139_1148delAAATCATCTG).
Protein change: p.Glu380fs; shifts the reading frame from glutamic acid 380.
Molecular consequence: frameshift variant. On other transcripts: non-coding transcript variant (1).
Genome position (GRCh38, 1-based): chr3:149,206,228-149,206,237, CAGATGATTT deleted on the plus strand (AAATCATCTG on the coding strand, the reverse complement: CP is on the minus strand); deleting any 10 consecutive bases within chr3:149,206,228-149,206,238 gives the same sequence; the c. name uses the placement nearest the transcript's 3' end. VCF-style (leftmost placement, unchanged base first): chr3-149206227-CCAGATGATTT-C. GRCh37 (hg19) VCF-style: chr3-148924014-CCAGATGATTT-C.
Other names: short protein forms E380fs.
Identifiers: ClinVar variation 2631312 (VCV002631312.1), dbSNP rs2472840199, ClinGen allele CA2695199308.
Genomic context (GRCh38, chr3:149,206,227, plus strand): 5'-CCTTCCAGGTGCTGTTAAGTTTTCTTTAGTGAAGATGTCTATACCAGAGGGAGCATAGTT[CCAGATGATTT>C]CCTCAGCGGCAATGTAGTAGTGTCTAACATGCTTCCCACGGATATTATCCTTTGATGAAG-3'